The following is an entry in ClinVar:

ClinVar aggregate classification (germline): Uncertain significance (1 of 4 stars; one submission).

Allele frequency attached by ClinVar (database versions not stated): gnomAD exomes below 0.00001; ExAC 0.00001.
gnomAD v4.1: 2 of 1,614,128 alleles (0.00012%); highest among the groups gnomAD compares: Non-Finnish European, 0.00017%; no homozygotes.

Submission:

Labcorp Genetics (formerly Invitae), Labcorp
Classification: Uncertain significance. Last evaluated: 2022-05-30. Review status: criteria provided, single submitter. Criteria: Invitae Variant Classification Sherloc (09022015). Collection method: clinical testing. Allele origin: germline.
Comment: This sequence change replaces histidine, which is basic and polar, with tyrosine, which is neutral and polar, at codon 1115 of the PLEKHG2 protein (p.His1115Tyr). This variant is present in population databases (rs770814729, gnomAD 0.0009%). This variant has not been reported in the literature in individuals affected with PLEKHG2-related conditions. ClinVar contains an entry for this variant (Variation ID: 1476112). Algorithms developed to predict the effect of missense changes on protein structure and function output the following: SIFT: "Tolerated"; PolyPhen-2: "Benign"; Align-GVGD: "Class C0". The tyrosine amino acid residue is found in multiple mammalian species, which suggests that this missense change does not adversely affect protein function. In summary, the available evidence is currently insufficient to determine the role of this variant in disease. Therefore, it has been classified as a Variant of Uncertain Significance.

NM_022835.3(PLEKHG2):c.3343C>T (p.His1115Tyr)

Gene: PLEKHG2 (pleckstrin homology and RhoGEF domain containing G2; plus strand). Cytogenetic location: 19q13.2.
Variant type: single nucleotide variant.
Coding change: c.3343C>T on transcript NM_022835.3 (MANE Select); coding-DNA position 3343, C replaced by T.
Protein change: p.His1115Tyr; replaces histidine 1115 with tyrosine.
Molecular consequence: missense variant. On other transcripts: intron variant (1).
Genome position (GRCh38, 1-based): chr19:39,424,476, C>T. VCF-style: chr19-39424476-C-T. GRCh37 (hg19) VCF-style: chr19-39915116-C-T.
Other names: c.3166C>T, p.His1056Tyr (NM_001351693.2); c.1678-762C>T (NM_001351694.2); short protein forms H1115Y, H1056Y.
Identifiers: ClinVar variation 1476112 (VCV001476112.8), dbSNP rs770814729, ClinGen allele CA9429972.